The following is an entry in ClinVar:

ClinVar aggregate classification (germline): Uncertain significance (1 of 4 stars; one submission).

Submission:

Ambry Genetics
Classification: Uncertain significance. Last evaluated: 2025-12-06. Review status: criteria provided, single submitter. Criteria: Ambry Variant Classification Scheme 2023. Collection method: clinical testing. Allele origin: germline.
Comment: The p.T85I variant (also known as c.254C>T), located in coding exon 3 of the RAD51B gene, results from a C to T substitution at nucleotide position 254. The threonine at codon 85 is replaced by isoleucine, an amino acid with similar properties. This amino acid position is conserved. In addition, this alteration is predicted to be deleterious by in silico analysis. Based on the available evidence, the clinical significance of this variant remains unclear.

NM_133510.4(RAD51B):c.254C>T (p.Thr85Ile)

Gene: RAD51B (RAD51 paralog B; plus strand). Cytogenetic location: 14q24.1.
Variant type: single nucleotide variant.
Coding change: c.254C>T on transcript NM_133510.4 (MANE Select); coding-DNA position 254, C replaced by T.
Protein change: p.Thr85Ile; replaces threonine 85 with isoleucine.
Molecular consequence: missense variant. On other transcripts: 5 prime UTR variant (1).
Genome position (GRCh38, 1-based): chr14:67,835,135, C>T. VCF-style: chr14-67835135-C-T. GRCh37 (hg19) VCF-style: chr14-68301852-C-T.
Other names: c.254C>T, p.Thr85Ile (NM_001321821.2, NM_002877.6, NM_133509.5 and 6 more transcripts); c.140C>T, p.Thr47Ile (NM_001321815.1); c.-202C>T (NM_001321817.2); short protein forms T47I, T85I.
Identifiers: ClinVar variation 4575333 (VCV004575333.1).
Genomic context (GRCh38, chr14:67,835,135, plus strand): 5'-TTTAGGCTTATGGGATAAAAGCACAAAGGTCTGCTGATTTCTCACCAGCATTCTTATCTA[C>T]TACCCTTTCTGCTTTGGACGAAGCCCTGCATGGTGGTGTGGCTTGTGGATCCCTCACAGA-3'
Protein context (NP_598194.1, residues 75-95): SADFSPAFLS[Thr85Ile]TLSALDEALH